The following is an entry in ClinVar:

NM_017849.4(TMEM127):c.173G>A (p.Gly58Glu)

Gene: TMEM127 (transmembrane protein 127; minus strand). Cytogenetic location: 2q11.2.
Variant type: single nucleotide variant.
Coding change: c.173G>A on transcript NM_017849.4 (MANE Select); coding-DNA position 173, G replaced by A.
Protein change: p.Gly58Glu; replaces glycine 58 with glutamic acid.
Molecular consequence: missense variant.
Genome position (GRCh38, 1-based): chr2:96,265,209, C>T on the plus strand (G>A on the coding strand, the complement: TMEM127 is on the minus strand). VCF-style: chr2-96265209-C-T. GRCh37 (hg19) VCF-style: chr2-96930947-C-T.
Other names: c.173G>A (NM_017849.3); c.173G>A, p.Gly58Glu (NM_001193304.3); short protein forms G58E.
Identifiers: ClinVar variation 1038489 (VCV001038489.9), dbSNP rs1684390081, ClinGen allele CA347655968.
Genomic context (GRCh38, chr2:96,265,209, plus strand): 5'-TCCGGGTGCACATAGCCCAACACGTCGGAGACCCCCAGCTCCTGGCGCGAACAGGTGCCT[C>T]CGTGGATGTGCAACCAGGCGGGCTCGGCGAGGGCAGTGCACAGCGCCGTGATAGACAGGG-3'
Protein context (NP_060319.1, residues 48-68): LAEPAWLHIH[Gly58Glu]GTCSRQELGV

ClinVar aggregate classification (germline): Uncertain significance. Review status: criteria provided, multiple submitters, no conflicts (2 of 4 stars). 2 submissions from 2 submitters: Uncertain significance (2). Last evaluated 2026-07-01.

Conditions:
Hereditary pheochromocytoma and paraganglioma. Also called: Hereditary paragangliomas and pheochromocytomas; Hereditary Paraganglioma-Pheochromocytoma Syndromes; Hereditary pheochromocytoma-paraganglioma. Identifiers: Orphanet 29072, MedGen C4274332, MONDO:0017366.
Hereditary cancer-predisposing syndrome. Also called: Tumor predisposition; Hereditary Cancer Syndrome; Hereditary neoplastic syndrome; Neoplastic Syndromes, Hereditary. Identifiers: Orphanet 140162, MedGen C0027672, MeSH D009386, MONDO:0015356.

Submissions (2):

Ambry Genetics
Classification: Uncertain significance for Hereditary cancer-predisposing syndrome. Last evaluated: 2026-07-01. Review status: criteria provided, single submitter. Criteria: Ambry Variant Classification Scheme 2023. Collection method: clinical testing. Allele origin: germline.
Comment: The p.G58E variant (also known as c.173G>A), located in coding exon 1 of the TMEM127 gene, results from a G to A substitution at nucleotide position 173. The glycine at codon 58 is replaced by glutamic acid, an amino acid with similar properties. This amino acid position is conserved. In addition, this alteration is predicted to be deleterious by in silico analysis. Based on the available evidence, the clinical significance of this variant remains unclear.

Labcorp Genetics (formerly Invitae), Labcorp
Classification: Uncertain significance for Hereditary pheochromocytoma and paraganglioma. Last evaluated: 2020-10-30. Review status: criteria provided, single submitter. Criteria: Invitae Variant Classification Sherloc (09022015). Collection method: clinical testing. Allele origin: germline.
Comment: In summary, the available evidence is currently insufficient to determine the role of this variant in disease. Therefore, it has been classified as a Variant of Uncertain Significance. Algorithms developed to predict the effect of missense changes on protein structure and function are either unavailable or do not agree on the potential impact of this missense change (SIFT: "Tolerated"; PolyPhen-2: "Probably Damaging"; Align-GVGD: "Class C0"). This variant has not been reported in the literature in individuals with TMEM127-related conditions. This variant is not present in population databases (ExAC no frequency). This sequence change replaces glycine with glutamic acid at codon 58 of the TMEM127 protein (p.Gly58Glu). The glycine residue is highly conserved and there is a moderate physicochemical difference between glycine and glutamic acid.